The following is an entry in ClinVar:

NM_007259.5(VPS45):c.1033C>T (p.Arg345Trp)

Gene: VPS45 (vacuolar protein sorting 45 homolog; plus strand). Cytogenetic location: 1q21.2.
Variant type: single nucleotide variant.
Coding change: c.1033C>T on transcript NM_007259.5 (MANE Select); coding-DNA position 1033, C replaced by T.
Protein change: p.Arg345Trp; replaces arginine 345 with tryptophan.
Molecular consequence: missense variant. On other transcripts: non-coding transcript variant (1).
Genome position (GRCh38, 1-based): chr1:150,082,812, C>T. VCF-style: chr1-150082812-C-T. GRCh37 (hg19) VCF-style: chr1-150054896-C-T.
Other names: c.1033C>T (NM_007259.3); c.718C>T, p.Arg240Trp (NM_001279353.2); c.925C>T, p.Arg309Trp (NM_001279354.2); short protein forms R240W, R309W, R345W.
Identifiers: ClinVar variation 991398 (VCV000991398.7), dbSNP rs782225422, ClinGen allele CA1073294.

ClinVar aggregate classification (germline): Uncertain significance. Review status: criteria provided, multiple submitters, no conflicts (2 of 4 stars). 5 submissions from 5 submitters: Uncertain significance (4). 1 of the submissions does not count toward it. Last evaluated 2025-12-23.

Conditions:
Inborn genetic diseases. Identifiers: MedGen C0950123, MeSH D030342.
Congenital neutropenia-myelofibrosis-nephromegaly syndrome. Also called: Severe congenital neutropenia 5, autosomal recessive. Identifiers: Orphanet 369852, MedGen C3809031, MONDO:0014118, OMIM 615285.

Allele frequency attached by ClinVar (database versions not stated): gnomAD 0.00002; ExAC 0.00003; gnomAD exomes 0.00003 and 0.00004; TOPMed 0.00003.
gnomAD v4.1: 49 of 1,614,008 alleles (0.003%); highest among the groups gnomAD compares: South Asian, 0.0077%; no homozygotes.

Submissions (5):

Labcorp Genetics (formerly Invitae), Labcorp
Classification: Uncertain significance for Congenital neutropenia-myelofibrosis-nephromegaly syndrome. Last evaluated: 2025-12-23. Review status: criteria provided, single submitter. Criteria: Invitae Variant Classification Sherloc (09022015). Collection method: clinical testing. Allele origin: germline.
Comment: This sequence change replaces arginine, which is basic and polar, with tryptophan, which is neutral and slightly polar, at codon 345 of the VPS45 protein (p.Arg345Trp). This variant is present in population databases (rs782225422, gnomAD 0.009%). This variant has not been reported in the literature in individuals affected with VPS45-related conditions. ClinVar contains an entry for this variant (Variation ID: 991398). Invitae Evidence Modeling of protein sequence and biophysical properties (such as structural, functional, and spatial information, amino acid conservation, physicochemical variation, residue mobility, and thermodynamic stability) indicates that this missense variant is not expected to disrupt VPS45 protein function with a negative predictive value of 80%. In summary, the available evidence is currently insufficient to determine the role of this variant in disease. Therefore, it has been classified as a Variant of Uncertain Significance.

Ambry Genetics
Classification: Uncertain significance for Inborn genetic diseases. Last evaluated: 2025-07-16. Review status: criteria provided, single submitter. Criteria: Ambry Variant Classification Scheme 2023. Collection method: clinical testing. Allele origin: germline.

Blueprint Genetics
Classification: Uncertain significance. Last evaluated: 2024-08-22. Review status: criteria provided, single submitter. Criteria: ACMG Guidelines, 2015. Collection method: clinical testing. Allele origin: germline.

Fulgent Genetics
Classification: Uncertain significance for Congenital neutropenia-myelofibrosis-nephromegaly syndrome. Last evaluated: 2022-03-28. Review status: criteria provided, single submitter. Criteria: ACMG Guidelines, 2015. Collection method: clinical testing. Allele origin: unknown.

Natera, Inc.
Classification: Uncertain significance for Autosomal recessive severe congenital neutropenia 5. Last evaluated: 2020-10-07. Review status: no assertion criteria provided. Collection method: clinical testing. Allele origin: germline. Not counted in ClinVar's aggregate classification.